The following is an entry in ClinVar:

ClinVar aggregate classification (germline): Uncertain significance (1 of 4 stars; one submission).

Conditions:
DICER1-related tumor predisposition. Also called: DICER1 syndrome; DICER1-related pleuropulmonary blastoma cancer predisposition syndrome. Identifiers: Orphanet 284343, MedGen C3839822, MONDO:0100216.

Submission:

Labcorp Genetics (formerly Invitae), Labcorp
Classification: Uncertain significance for DICER1-related tumor predisposition. Last evaluated: 2020-08-10. Review status: criteria provided, single submitter. Criteria: Invitae Variant Classification Sherloc (09022015). Collection method: clinical testing. Allele origin: germline.
Comment: In summary, the available evidence is currently insufficient to determine the role of this variant in disease. Therefore, it has been classified as a Variant of Uncertain Significance. Algorithms developed to predict the effect of missense changes on protein structure and function are either unavailable or do not agree on the potential impact of this missense change (SIFT: "Deleterious"; PolyPhen-2: "Probably Damaging"; Align-GVGD: "Class C0"). This variant has not been reported in the literature in individuals with DICER1-related conditions. This variant is not present in population databases (ExAC no frequency). This sequence change replaces alanine with proline at codon 1517 of the DICER1 protein (p.Ala1517Pro). The alanine residue is highly conserved and there is a small physicochemical difference between alanine and proline.

NM_177438.3(DICER1):c.4549G>C (p.Ala1517Pro)

Gene: DICER1 (dicer 1, ribonuclease III; minus strand). Cytogenetic location: 14q32.13.
Variant type: single nucleotide variant.
Coding change: c.4549G>C on transcript NM_177438.3 (MANE Select); coding-DNA position 4549, G replaced by C.
Protein change: p.Ala1517Pro; replaces alanine 1517 with proline.
Molecular consequence: missense variant.
Genome position (GRCh38, 1-based): chr14:95,096,371, C>G on the plus strand (G>C on the coding strand, the complement: DICER1 is on the minus strand). VCF-style: chr14-95096371-C-G. GRCh37 (hg19) VCF-style: chr14-95562708-C-G.
Other names: c.4549G>C, p.Ala1517Pro (NM_001195573.1, NM_001271282.3, NM_001291628.2 and 1 more transcripts); short protein forms A1517P.
Identifiers: ClinVar variation 1020580 (VCV001020580.10), dbSNP rs1890337255, ClinGen allele CA390867843.